The following is an entry in ClinVar:

ClinVar aggregate classification (germline): Pathogenic (1 of 4 stars; one submission).

Conditions:
LAMA2-related muscular dystrophy (LAMA2-RD). Also called: Laminin alpha 2-related dystrophy. Identifiers: MedGen C5679788, MONDO:0100228.

Submission:

Labcorp Genetics (formerly Invitae), Labcorp
Classification: Pathogenic for LAMA2-related muscular dystrophy. Last evaluated: 2025-10-14. Review status: criteria provided, single submitter. Criteria: Invitae Variant Classification Sherloc (09022015). Collection method: clinical testing. Allele origin: germline.
Comment: This sequence change creates a premature translational stop signal (p.Asn1916Thrfs*48) in the LAMA2 gene. It is expected to result in an absent or disrupted protein product. Loss-of-function variants in LAMA2 are known to be pathogenic (PMID: 18700894, 32904964). This variant is not present in population databases (gnomAD no frequency). This variant has not been reported in the literature in individuals affected with LAMA2-related conditions. Algorithms developed to predict the effect of sequence changes on RNA splicing suggest that this variant may disrupt the consensus splice site. For these reasons, this variant has been classified as Pathogenic.

Literature cited by the submitters: PubMed 18700894; PubMed 32904964.

NM_000426.4(LAMA2):c.5747del (p.Asn1916fs)

Gene: LAMA2 (laminin subunit alpha 2; plus strand). Cytogenetic location: 6q22.33.
Variant type: Deletion.
Coding change: c.5747del on transcript NM_000426.4 (MANE Select); coding-DNA position 5747, one base deleted (A; older notation c.5747delA).
Protein change: p.Asn1916fs; shifts the reading frame from asparagine 1916.
Molecular consequence: frameshift variant.
Genome position (GRCh38, 1-based): chr6:129,403,841, A deleted; the last of 5 consecutive A bases (chr6:129,403,837-129,403,841); deleting any one gives the same sequence. VCF-style (leftmost placement, unchanged base first): chr6-129403836-TA-T. GRCh37 (hg19) VCF-style: chr6-129724981-TA-T.
Other names: c.5747del, p.Asn1916fs (NM_001079823.2); short protein forms N1916fs.
Identifiers: ClinVar variation 4728751 (VCV004728751.1).